The following is an entry in ClinVar:

ClinVar aggregate classification (germline): Uncertain significance (1 of 4 stars; one submission).

Submission:

Ambry Genetics
Classification: Uncertain significance. Last evaluated: 2024-01-06. Review status: criteria provided, single submitter. Criteria: Ambry Variant Classification Scheme 2023. Collection method: clinical testing. Allele origin: germline.
Comment: The p.G2531V variant (also known as c.7592G>T), located in coding exon 29 of the POLQ gene, results from a G to T substitution at nucleotide position 7592. The glycine at codon 2531 is replaced by valine, an amino acid with dissimilar properties. This amino acid position is conserved. In addition, this alteration is predicted to be deleterious by in silico analysis. Since supporting evidence is limited at this time, the clinical significance of this alteration remains unclear.

NM_199420.4(POLQ):c.7592G>T (p.Gly2531Val)

Gene: POLQ (DNA polymerase theta; minus strand). Cytogenetic location: 3q13.33.
Variant type: single nucleotide variant.
Coding change: c.7592G>T on transcript NM_199420.4 (MANE Select); coding-DNA position 7592, G replaced by T.
Protein change: p.Gly2531Val; replaces glycine 2531 with valine.
Molecular consequence: missense variant.
Genome position (GRCh38, 1-based): chr3:121,432,985, C>A on the plus strand (G>T on the coding strand, the complement: POLQ is on the minus strand). VCF-style: chr3-121432985-C-A. GRCh37 (hg19) VCF-style: chr3-121151832-C-A.
Other names: short protein forms G2531V.
Identifiers: ClinVar variation 3230164 (VCV003230164.1), dbSNP rs2108770967, ClinGen allele CA354093819.
Genomic context (GRCh38, chr3:121,432,985, plus strand): 5'-ACATCTTCTTCTGCCACTTCATATAGGAGTTCATCATGGAGTTGAAGGATGAAGAAGCCT[C>A]CTCTGATTGGGCAGAACATCCCTTGCAGTTTTCTCTTTCGTGACAATCCTACTTCATGAA-3'
Protein context (NP_955452.3, residues 2521-2541): KLQGMFCPIR[Gly2531Val]GFFILQLHDE